The following is an entry in ClinVar:

NM_001126108.2(SLC12A3):c.2720+5G>C

Gene: SLC12A3 (solute carrier family 12 member 3; plus strand). Cytogenetic location: 16q13.
Variant type: single nucleotide variant.
Coding change: c.2720+5G>C on transcript NM_001126108.2 (MANE Select); 5 bases into the intron after coding-DNA position 2720, G replaced by C.
Molecular consequence: intron variant.
Genome position (GRCh38, 1-based): chr16:56,899,621, G>C. VCF-style: chr16-56899621-G-C. GRCh37 (hg19) VCF-style: chr16-56933533-G-C.
Other names: c.2747+5G>C (NM_000339.3); c.2744+5G>C (NM_001126107.2); c.2717+5G>C (NM_001410896.1).
Identifiers: ClinVar variation 3643824 (VCV003643824.2).
Genomic context (GRCh38, chr16:56,899,621, plus strand): 5'-GGATTCCATGAAGTCCACATCCTCCCTGACATCAACCAGAACCCTCGGGCTGAGCAGTAA[G>C]TTCTGTTTTGGGGCTTCCAGGCAGAAGGGCCAACTGTGTGCCTGGAGACCCCTCTGCCGG-3'

ClinVar aggregate classification (germline): Uncertain significance (1 of 4 stars; one submission).

Submission:

Labcorp Genetics (formerly Invitae), Labcorp
Classification: Uncertain significance. Last evaluated: 2024-03-01. Review status: criteria provided, single submitter. Criteria: Invitae Variant Classification Sherloc (09022015). Collection method: clinical testing. Allele origin: germline.
Comment: This sequence change falls in intron 23 of the SLC12A3 gene. It does not directly change the encoded amino acid sequence of the SLC12A3 protein. It affects a nucleotide within the consensus splice site. This variant is not present in population databases (gnomAD no frequency). This variant has not been reported in the literature in individuals affected with SLC12A3-related conditions. Variants that disrupt the consensus splice site are a relatively common cause of aberrant splicing (PMID: 17576681, 9536098). Algorithms developed to predict the effect of sequence changes on RNA splicing suggest that this variant may disrupt the consensus splice site. In summary, the available evidence is currently insufficient to determine the role of this variant in disease. Therefore, it has been classified as a Variant of Uncertain Significance.

Literature cited by the submitters: PubMed 17576681; PubMed 9536098.